The following is an entry in ClinVar:

ClinVar aggregate classification (germline): Uncertain significance. Review status: criteria provided, multiple submitters, no conflicts (2 of 4 stars). 5 submissions from 5 submitters: Uncertain significance (5). Last evaluated 2025-12-17.

Conditions:
VCL-related disorder. Also called: VCL-related condition.
Cardiovascular phenotype. Identifiers: MedGen CN230736.
Dilated cardiomyopathy 1W (CMD1W). Identifiers: Orphanet 154, MedGen C1969639, MONDO:0012667, OMIM 611407.

Allele frequency attached by ClinVar (database versions not stated): ExAC 0.00001; gnomAD 0.00001; gnomAD exomes 0.00001 and 0.00004; TOPMed 0.00006.
gnomAD v4.1: 24 of 1,613,474 alleles (0.0015%); highest among the groups gnomAD compares: Admixed American, 0.018%; 2 homozygotes.

Submissions (5):

Labcorp Genetics (formerly Invitae), Labcorp
Classification: Uncertain significance for Dilated cardiomyopathy 1W. Last evaluated: 2025-12-17. Review status: criteria provided, single submitter. Criteria: Invitae Variant Classification Sherloc (09022015). Collection method: clinical testing. Allele origin: germline.
Comment: This sequence change replaces valine, which is neutral and non-polar, with alanine, which is neutral and non-polar, at codon 62 of the VCL protein (p.Val62Ala). This variant is present in population databases (rs769799445, gnomAD 0.03%), including at least one homozygous and/or hemizygous individual. This variant has not been reported in the literature in individuals affected with VCL-related conditions. ClinVar contains an entry for this variant (Variation ID: 408954). An algorithm developed to predict the effect of missense changes on protein structure and function (PolyPhen-2) suggests that this variant is likely to be disruptive. In summary, the available evidence is currently insufficient to determine the role of this variant in disease. Therefore, it has been classified as a Variant of Uncertain Significance.

Ambry Genetics
Classification: Uncertain significance for Cardiovascular phenotype. Last evaluated: 2025-06-09. Review status: criteria provided, single submitter. Criteria: Ambry Variant Classification Scheme 2023. Collection method: clinical testing. Allele origin: germline.

PreventionGenetics, part of Exact Sciences
Classification: Uncertain significance for VCL-related condition. Last evaluated: 2025-04-30. Review status: criteria provided, single submitter. Criteria: ACMG Guidelines, 2015. Collection method: clinical testing. Allele origin: germline.
Comment: The VCL c.185T>C variant is predicted to result in the amino acid substitution p.Val62Ala. To our knowledge, this variant has not been reported in the literature. This variant is reported in 0.029% of alleles in individuals of Latino descent in gnomAD, including 1 homozygote. At this time, the clinical significance of this variant is uncertain due to the absence of conclusive functional and genetic evidence.

Revvity Omics, Revvity
Classification: Uncertain significance. Last evaluated: 2025-02-05. Review status: criteria provided, single submitter. Criteria: ACMG Guidelines, 2015. Collection method: clinical testing. Allele origin: germline.

Laboratory for Molecular Medicine, Mass General Brigham Personalized Medicine
Classification: Uncertain significance. Last evaluated: 2017-12-15. Review status: criteria provided, single submitter. Criteria: LMM Criteria. Collection method: clinical testing. Allele origin: germline. Observed: 1 variant allele.
Comment: The p.Val62Ala variant in VCL has not been previously reported in individuals wi th cardiomyopathy, but has been identified in 10/33578 Latino chromosomes by the Genome Aggregation Database (gnomAD; dbSNP rs 769799445). This variant has also been reported in ClinVar (Variation ID:408954) . In summary, the clinical significance of the p.Val62Ala variant is uncertain a nd more information needs to be obtained in order to determine its clinical sign ificance. ACMG/AMP Criteria applied: None Applied.

NM_014000.3(VCL):c.185T>C (p.Val62Ala)

Gene: VCL (vinculin; plus strand). Cytogenetic location: 10q22.2.
Variant type: single nucleotide variant.
Coding change: c.185T>C on transcript NM_014000.3 (MANE Select); coding-DNA position 185, T replaced by C.
Protein change: p.Val62Ala; replaces valine 62 with alanine.
Molecular consequence: missense variant.
Genome position (GRCh38, 1-based): chr10:74,043,099, T>C. VCF-style: chr10-74043099-T-C. GRCh37 (hg19) VCF-style: chr10-75802857-T-C.
Other names: c.185T>C, p.Val62Ala (NM_003373.4); short protein forms V62A.
Identifiers: ClinVar variation 408954 (VCV000408954.15), dbSNP rs769799445, ClinGen allele CA5562723.
Genomic context (GRCh38, chr10:74,043,099, plus strand): 5'-TCTGAGAATTTATATTTGAATTATGATTTTTTTTCCTCTTGTAGGTTGGAAAAGAGACTG[T>C]TCAAACCACTGAGGATCAGATTTTGAAGAGAGATATGCCACCAGCATTTATTAAGTGAGT-3'
Protein context (NP_054706.1, residues 52-72): SNLVRVGKET[Val62Ala]QTTEDQILKR